The following continues an entry in ClinVar:

NM_007294.4(BRCA1):c.4986+6T>C

Gene: BRCA1. ClinVar aggregate classification (germline): Pathogenic/Likely pathogenic. Pathogenic (20); Likely pathogenic (3).

Submissions 23 to 31 of 31:

Genesis Genomics
Classification: Pathogenic for Breast-ovarian cancer, familial, susceptibility to, 1. Review status: criteria provided, single submitter. Criteria: ACMG Guidelines, 2015. Collection method: clinical testing. Allele origin: germline. Affected: yes. Observed: 1 variant allele.

Counsyl
Classification: Likely pathogenic for Breast-ovarian cancer, familial, susceptibility to, 1. Last evaluated: 2017-04-01. Review status: no assertion criteria provided. Collection method: clinical testing. Allele origin: unknown. Not counted in ClinVar's aggregate classification.

Foulkes Cancer Genetics LDI, Lady Davis Institute for Medical Research
Classification: Likely pathogenic for Breast and/or ovarian cancer. Last evaluated: 2015-05-06. Review status: no assertion criteria provided. Collection method: clinical testing. Allele origin: germline. Study: The Canadian Open Genetics Repository (COGR). Not counted in ClinVar's aggregate classification.

Research Molecular Genetics Laboratory, Women's College Hospital, University of Toronto
Classification: Pathogenic for Hereditary breast ovarian cancer syndrome. Last evaluated: 2014-01-31. Review status: no assertion criteria provided. Collection method: research. Allele origin: germline. Affected: yes. Study: The Canadian Open Genetics Repository (COGR). Not counted in ClinVar's aggregate classification.

Sharing Clinical Reports Project (SCRP)
Classification: Pathogenic for Breast-ovarian cancer, familial 1. Last evaluated: 2012-02-09. Review status: no assertion criteria provided. Collection method: clinical testing. Allele origin: germline. Not counted in ClinVar's aggregate classification.

Breast Cancer Information Core (BIC) (BRCA1)
No classification provided. Condition: Breast-ovarian cancer, familial 1. Review status: no classification provided. Collection method: clinical testing. Allele origin: germline. Affected: yes. Observed: 14 variant alleles. Not counted in ClinVar's aggregate classification.

Brotman Baty Institute, University of Washington
No classification provided (evidence only). Condition: Breast-ovarian cancer, familial 1. Review status: no classification provided. Collection method: in vitro. Allele origin: not applicable. Functional consequence: functionally_abnormal. Not counted in ClinVar's aggregate classification.
ClinVar note: "not provided" was previously submitted as the classification for the variant. However, the classification appeared to be based only on an observation of functional data so it was converted to no classification on 2025-07-30.

Clinical Genetics Laboratory, Department of Pathology, Netherlands Cancer Institute
Classification: Pathogenic. Review status: no assertion criteria provided. Collection method: clinical testing. Allele origin: germline. Affected: yes. Study: VKGL Data-share Consensus. Not counted in ClinVar's aggregate classification.

Diagnostic Laboratory, Department of Genetics, University Medical Center Groningen
Classification: Pathogenic for Breast-ovarian cancer, familial, susceptibility to, 1. Review status: no assertion criteria provided. Collection method: clinical testing. Allele origin: germline. Affected: yes. Study: VKGL Data-share Consensus. Not counted in ClinVar's aggregate classification.

Literature cited by the submitters: PubMed 10406662 (cited by 7 submitters); PubMed 21120943 (cited by 5 submitters); PubMed 21324516 (cited by 7 submitters); PubMed 21965345 (cited by 5 submitters); PubMed 24729269 (cited by 5 submitters); PubMed 17576681 (cited by Labcorp Genetics (formerly Invitae), Labcorp); PubMed 9536098 (cited by Labcorp Genetics (formerly Invitae), Labcorp); PubMed 22505045 (cited by 9 submitters); PubMed 11179017 (cited by Labcorp Genetics (formerly Invitae), Labcorp); PubMed 16619214 (cited by Labcorp Genetics (formerly Invitae), Labcorp and Ambry Genetics); PubMed 22160602 (cited by Labcorp Genetics (formerly Invitae), Labcorp); PubMed 28503720 (cited by 4 submitters); PubMed 30209399 (cited by 7 submitters); PubMed 29446198 (cited by 4 submitters); PubMed 35950060 (cited by Dasa); PubMed 26287763 (cited by Dasa); PubMed 23239986 (cited by Quest Diagnostics Nichols Institute San Juan Capistrano); PubMed 18703817 (cited by 3 submitters); PubMed 33646313 (cited by Quest Diagnostics Nichols Institute San Juan Capistrano); PubMed 34413315 (cited by Quest Diagnostics Nichols Institute San Juan Capistrano); PubMed 30551077 (cited by Victorian Clinical Genetics Services, Murdoch Childrens Research Institute); PubMed 2134516 (cited by Department of Pathology and Laboratory Medicine, Sinai Health System); PubMed 31159747 (cited by Department of Pathology and Laboratory Medicine, Sinai Health System and Sema4); PubMed 16267036 (cited by Women's Health and Genetics/Laboratory Corporation of America, LabCorp).